The following is an entry in ClinVar:

NC_000015.9:g.(?_48703187)_(48936966_?)dup

Gene: FBN1 (fibrillin 1; minus strand). Cytogenetic location: 15q21.1.
Variant type: Duplication.
Identifiers: ClinVar variation 1409114 (VCV001409114.3).

ClinVar aggregate classification (germline): Uncertain significance (1 of 4 stars; one submission).

Conditions:
Marfan syndrome (MFS). Also called: Marfan syndrome type 1; Marfan's syndrome; FBN1-Related Marfan Syndrome; MARFAN SYNDROME, TYPE I; Marfan syndrome, classic. Identifiers: Orphanet 284963, Orphanet 558, MedGen C0024796, MONDO:0007947, OMIM 154700.
Familial thoracic aortic aneurysm and aortic dissection (TAAD). Also called: Thoracic aortic aneurysms and dissections. Identifiers: Orphanet 91387, MedGen C4707243, MONDO:0019625.

Submission:

Labcorp Genetics (formerly Invitae), Labcorp
Classification: Uncertain significance for Marfan syndrome; Familial thoracic aortic aneurysm and aortic dissection. Last evaluated: 2021-08-27. Review status: criteria provided, single submitter. Criteria: Invitae Variant Classification Sherloc (09022015). Collection method: clinical testing. Allele origin: germline.
Comment: A copy number gain of the genomic region encompassing the full coding sequence of the FBN1 gene has been identified. The boundaries of this event are unknown as they extend beyond the assayed region for this gene and therefore may encompass additional genes. As the precise location of this event is unknown, it may be in tandem or it may be located elsewhere in the genome. This variant has not been reported in the literature in individuals affected with FBN1-related conditions. Experimental studies and prediction algorithms are not available or were not evaluated, and the functional significance of this variant is currently unknown. In summary, the available evidence is currently insufficient to determine the role of this variant in disease. Therefore, it has been classified as a Variant of Uncertain Significance.